The following is an entry in ClinVar:

NM_000313.4(PROS1):c.1871-1G>C

Gene: PROS1 (protein S; minus strand). Cytogenetic location: 3q11.1.
Variant type: single nucleotide variant.
Coding change: c.1871-1G>C on transcript NM_000313.4 (MANE Select); the canonical splice acceptor site of the intron before coding-DNA position 1871, G replaced by C.
Molecular consequence: splice acceptor variant.
Genome position (GRCh38, 1-based): chr3:93,874,406, C>G on the plus strand (G>C on the coding strand, the complement: PROS1 is on the minus strand). VCF-style: chr3-93874406-C-G. GRCh37 (hg19) VCF-style: chr3-93593250-C-G.
Other names: c.1967-1G>C (NM_001314077.2).
Identifiers: ClinVar variation 4768404 (VCV004768404.1).
Genomic context (GRCh38, chr3:93,874,406, plus strand): 5'-TATTCACTTCCATGCAGCCATTATAAAAGGCATTCACTGGTGTGGCACTGAATGGAACAT[C>G]TGTAAAAGGAAAATATTAGAATATTAGTCCAAGACTTTTAGCATCTTGTTTGTTTACAGT-3'

ClinVar aggregate classification (germline): Pathogenic (1 of 4 stars; one submission).

Conditions:
Thrombophilia due to protein S deficiency, autosomal recessive (THPH6). Identifiers: Orphanet 743, MedGen C3281092, MONDO:0013791, OMIM 614514. Disease mechanism: loss of function.

Submission:

Labcorp Genetics (formerly Invitae), Labcorp
Classification: Pathogenic for Thrombophilia due to protein S deficiency, autosomal recessive. Last evaluated: 2025-07-16. Review status: criteria provided, single submitter. Criteria: Invitae Variant Classification Sherloc (09022015). Collection method: clinical testing. Allele origin: germline.
Comment: This sequence change affects an acceptor splice site in intron 14 of the PROS1 gene. RNA analysis indicates that disruption of this splice site induces altered splicing and likely disrupts the C-terminus of the protein. This variant is not present in population databases (gnomAD no frequency). Disruption of this splice site has been observed in individuals with protein S deficiency (PMID: 9031442, 30669159; internal data). Variants that disrupt the consensus splice site are a relatively common cause of aberrant splicing (PMID: 17576681, 9536098). Studies have shown that disruption of this splice site results in activation of a cryptic splice site and introduces a new termination codon (PMID: 30669159). However the mRNA is not expected to undergo nonsense-mediated decay. For these reasons, this variant has been classified as Pathogenic.

Literature cited by the submitters: PubMed 9031442; PubMed 30669159; PubMed 17576681; PubMed 9536098.